The following is an entry in ClinVar:

ClinVar aggregate classification (germline): Likely pathogenic (1 of 4 stars; one submission).

Conditions:
Mucopolysaccharidosis, MPS-III-A (MPS3A). Also called: HEPARAN SULFATE SULFATASE DEFICIENCY; SANFILIPPO SYNDROME A; SULFAMIDASE DEFICIENCY; MPS III A; Mucopolysaccharidosis type IIIA (Sanfilippo A); MUCOPOLYSACCHARIDOSIS, TYPE IIIA, ATTENUATED. Identifiers: Orphanet 581, Orphanet 79269, MedGen C0086647, MONDO:0009655, OMIM 252900.

Submission:

Labcorp Genetics (formerly Invitae), Labcorp
Classification: Likely pathogenic for Mucopolysaccharidosis, MPS-III-A. Last evaluated: 2023-09-21. Review status: criteria provided, single submitter. Criteria: Invitae Variant Classification Sherloc (09022015). Collection method: clinical testing. Allele origin: germline.
Comment: In summary, the currently available evidence indicates that the variant is pathogenic, but additional data are needed to prove that conclusively. Therefore, this variant has been classified as Likely Pathogenic. Algorithms developed to predict the effect of sequence changes on RNA splicing suggest that this variant may disrupt the consensus splice site. This sequence change replaces glutamine, which is neutral and polar, with arginine, which is basic and polar, at codon 85 of the SGSH protein (p.Gln85Arg). This variant is not present in population databases (gnomAD no frequency). This missense change has been observed in individual(s) with Mucopolysaccharidosis type III (PMID: 15542396). Advanced modeling of protein sequence and biophysical properties (such as structural, functional, and spatial information, amino acid conservation, physicochemical variation, residue mobility, and thermodynamic stability) has been performed at Invitae for this missense variant, however the output from this modeling did not meet the statistical confidence thresholds required to predict the impact of this variant on SGSH protein function. Experimental studies have shown that this missense change affects SGSH function (PMID: 15542396).

Literature cited by the submitters: PubMed 15542396.

NM_000199.5(SGSH):c.254A>G (p.Gln85Arg)

Gene: SGSH (N-sulfoglucosamine sulfohydrolase; minus strand). Cytogenetic location: 17q25.3.
Variant type: single nucleotide variant.
Coding change: c.254A>G on transcript NM_000199.5 (MANE Select); coding-DNA position 254, A replaced by G.
Protein change: p.Gln85Arg; replaces glutamine 85 with arginine.
Molecular consequence: missense variant.
Genome position (GRCh38, 1-based): chr17:80,215,134, T>C on the plus strand (A>G on the coding strand, the complement: SGSH is on the minus strand). VCF-style: chr17-80215134-T-C. GRCh37 (hg19) VCF-style: chr17-78188933-T-C.
Other names: c.254A>G, p.Gln85Arg (NM_001352921.3, NM_001352922.2); short protein forms Q85R.
Identifiers: ClinVar variation 2736688 (VCV002736688.3), dbSNP rs2510898674, ClinGen allele CA401364015.